The following is an entry in ClinVar:

NM_002474.3(MYH11):c.4546C>A (p.Leu1516Met)

Genes: MYH11 (myosin heavy chain 11; minus strand), NDE1 (nudE neurodevelopment protein 1; plus strand). Cytogenetic location: 16p13.11.
Variant type: single nucleotide variant.
Coding change: c.4546C>A on transcript NM_002474.3 (MANE Select); coding-DNA position 4546, C replaced by A.
Protein change: p.Leu1516Met; replaces leucine 1516 with methionine.
Molecular consequence: missense variant. On other transcripts: intron variant (2).
Genome position (GRCh38, 1-based): chr16:15,721,454, G>T on the plus strand (C>A on the coding strand, the complement: MYH11 is on the minus strand). VCF-style: chr16-15721454-G-T. GRCh37 (hg19) VCF-style: chr16-15815311-G-T.
Other names: c.4567C>A, p.Leu1523Met (NM_001040113.2, NM_001040114.2); c.4546C>A, p.Leu1516Met (NM_022844.3); c.948-2737G>T (NM_001143979.2, NM_017668.3); short protein forms L1516M, L1523M.
Identifiers: ClinVar variation 1997283 (VCV001997283.4), dbSNP rs2151210506, ClinGen allele CA394854899.

ClinVar aggregate classification (germline): Uncertain significance (1 of 4 stars; one submission).

Conditions:
Aortic aneurysm, familial thoracic 4 (AAT4). Also called: AORTIC ANEURYSM/AORTIC DISSECTION AND PATENT DUCTUS ARTERIOSUS. Identifiers: MedGen C1851504, MONDO:0007568, OMIM 132900.

gnomAD v4.1: 1 of 1,614,224 alleles (0.000062%); highest among the groups gnomAD compares: Non-Finnish European, 0.000085%; no homozygotes.

Submission:

Labcorp Genetics (formerly Invitae), Labcorp
Classification: Uncertain significance for Aortic aneurysm, familial thoracic 4. Last evaluated: 2022-05-21. Review status: criteria provided, single submitter. Criteria: Invitae Variant Classification Sherloc (09022015). Collection method: clinical testing. Allele origin: germline.
Comment: This variant is not present in population databases (gnomAD no frequency). This sequence change replaces leucine, which is neutral and non-polar, with methionine, which is neutral and non-polar, at codon 1523 of the MYH11 protein (p.Leu1523Met). This variant has not been reported in the literature in individuals affected with MYH11-related conditions. In summary, the available evidence is currently insufficient to determine the role of this variant in disease. Therefore, it has been classified as a Variant of Uncertain Significance. Algorithms developed to predict the effect of missense changes on protein structure and function are either unavailable or do not agree on the potential impact of this missense change (SIFT: "Deleterious"; PolyPhen-2: "Probably Damaging"; Align-GVGD: "Class C0").